The following is an entry in ClinVar:

ClinVar aggregate classification (germline): Benign/Likely benign. Review status: criteria provided, multiple submitters, no conflicts (2 of 4 stars). 8 submissions from 8 submitters: Benign (6); Likely benign (2). Last evaluated 2026-03-30.

Conditions:
Cardiovascular phenotype. Identifiers: MedGen CN230736.
Ehlers-Danlos syndrome (EDS). Identifiers: Orphanet 98249, MedGen C0013720, MONDO:0020066.

Allele frequency attached by ClinVar (database versions not stated): 1000 Genomes Project 30x 0.00265; 1000 Genomes Project 0.00300; TOPMed 0.01047; ESP Exome Variant Server 0.01147; gnomAD 0.01258 and 0.01344; gnomAD exomes 0.01320; ExAC 0.01903.

Submissions (8):

Women's Health and Genetics/Laboratory Corporation of America, LabCorp
Classification: Likely benign. Last evaluated: 2026-03-30. Review status: criteria provided, single submitter. Criteria: LabCorp Variant Classification Summary - May 2015. Collection method: clinical testing. Allele origin: germline.

Labcorp Genetics (formerly Invitae), Labcorp
Classification: Benign. Last evaluated: 2026-02-04. Review status: criteria provided, single submitter. Criteria: Invitae Variant Classification Sherloc (09022015). Collection method: clinical testing. Allele origin: germline.

Blueprint Genetics
Classification: Likely benign. Last evaluated: 2024-11-26. Review status: criteria provided, single submitter. Criteria: ACMG Guidelines, 2015. Collection method: clinical testing. Allele origin: germline.

Mayo Clinic Laboratories, Mayo Clinic
Classification: Benign. Last evaluated: 2023-01-05. Review status: criteria provided, single submitter. Criteria: ACMG Guidelines, 2015. Collection method: clinical testing. Allele origin: germline. Observed: 122 variant alleles.
Comment: BS1, BS2, BP4

Genome Diagnostics Laboratory, The Hospital for Sick Children
Classification: Benign for Ehlers-Danlos syndrome. Last evaluated: 2022-07-07. Review status: criteria provided, single submitter. Criteria: ACMG Guidelines, 2015. Collection method: clinical testing. Allele origin: germline.

GeneDx
Classification: Benign. Last evaluated: 2019-07-16. Review status: criteria provided, single submitter. Criteria: GeneDx Variant Classification Process June 2021. Collection method: clinical testing. Allele origin: germline. Affected: yes.

Ambry Genetics
Classification: Benign for Cardiovascular phenotype. Last evaluated: 2019-01-04. Review status: criteria provided, single submitter. Criteria: Ambry Variant Classification Scheme 2023. Collection method: clinical testing. Allele origin: germline.

PreventionGenetics, part of Exact Sciences
Classification: Benign. Review status: criteria provided, single submitter. Criteria: ACMG Guidelines, 2015. Collection method: clinical testing. Allele origin: germline.

NM_001365276.2(TNXB):c.3191G>A (p.Arg1064His)

Gene: TNXB (tenascin XB; minus strand). Cytogenetic location: 6p21.33.
Variant type: single nucleotide variant.
Coding change: c.3191G>A on transcript NM_001365276.2 (MANE Select); coding-DNA position 3191, G replaced by A.
Protein change: p.Arg1064His; replaces arginine 1064 with histidine.
Molecular consequence: missense variant.
Genome position (GRCh38, 1-based): chr6:32,084,667, C>T on the plus strand (G>A on the coding strand, the complement: TNXB is on the minus strand). VCF-style: chr6-32084667-C-T. GRCh37 (hg19) VCF-style: chr6-32052444-C-T.
Other names: p.Arg1064His; c.3191G>A, p.Arg1064His (NM_019105.8); short protein forms R1064H.
Identifiers: ClinVar variation 261133 (VCV000261133.14), dbSNP rs61995676, ClinGen allele CA3735227.